The following is an entry in ClinVar:

NM_000152.5(GAA):c.1398_1400dup (p.Phe467dup)

Gene: GAA (alpha glucosidase; plus strand). Cytogenetic location: 17q25.3.
Variant type: Duplication.
Coding change: c.1398_1400dup on transcript NM_000152.5 (MANE Select); coding-DNA positions 1398 to 1400, 3 bases duplicated (TTT; older notation c.1398_1400dupTTT).
Protein change: p.Phe467dup; duplicates phenylalanine 467.
Molecular consequence: inframe insertion.
Genome position (GRCh38, 1-based): chr17:80,110,016-80,110,018, TTT duplicated; duplicating any 3 consecutive bases within chr17:80,110,015-80,110,018 gives the same sequence; the c. name uses the placement nearest the transcript's 3' end. VCF-style (leftmost placement, unchanged base first): chr17-80110014-G-GTTT. GRCh37 (hg19) VCF-style: chr17-78083813-G-GTTT.
Other names: c.1398_1400dup, p.Phe467dup (NM_001079803.3, NM_001079804.3).
Identifiers: ClinVar variation 932898 (VCV000932898.4), dbSNP rs2039193694, ClinGen allele CA891842405.

ClinVar aggregate classification (germline): Uncertain significance (3 of 4 stars; one submission).

Conditions:
Glycogen storage disease, type II (IOPD). Also called: GLYCOGENOSIS, GENERALIZED, CARDIAC FORM; GSD II; POMPE DISEASE, INFANTILE-ONSET; GLYCOGEN STORAGE DISEASE II, INFANTILE-ONSET; ACID ALPHA-GLUCOSIDASE DEFICIENCY, INFANTILE-ONSET; GAA DEFICIENCY, INFANTILE-ONSET. Identifiers: Orphanet 365, MedGen C0017921, MONDO:0009290, OMIM 232300.

Submission:

ClinGen Lysosomal Storage Disorder Variant Curation Expert Panel
Classification: Uncertain significance for Glycogen storage disease, type II. Last evaluated: 2023-03-13. Review status: reviewed by expert panel. Criteria: clingen_lsd_acmg_specifications_v2-1. Collection method: curation. Allele origin: germline. Inheritance: Autosomal recessive inheritance.
Comment: The NM_000152.5:c.1398_1400dup variant in GAA is predicted to cause a change in the length of the protein due to an in-frame duplication of one amino acid in a non-repeat region p.Phe467_Ile468insPhe) (PM4_Supporting). The variant is absent in gnomAD v2.1.1 (PM2_Supporting). To our knowledge, this variant has not been reported in the literature in individuals with Pompe disease, and results of experimental studies are not available. Computational evidence is conflicting; PROVEAN predicts that the variant will impact the function of GAA, while Mutation Taster predicts no impact. No impact on splicing is predicted by SpliceAI. As a result, neither PP4 nor BP4 can be applied. There is no ClinVar entry for this variant. In summary, this variant meets the criteria to be classified as a variant of uncertain significance for Pompe disease. GAA-specific ACMG/AMP criteria applied, as specified by the ClinGen Lysosomal Diseases VCEP (Specifications Version 2.0): PM2_Supporting, PM4_Supporting. (Classification approved by the ClinGen Lysosomal Diseases VCEP, March 13, 2023).